The following is an entry in ClinVar:

NM_000214.3(JAG1):c.1036C>T (p.His346Tyr)

Gene: JAG1 (jagged canonical Notch ligand 1; minus strand). Cytogenetic location: 20p12.2.
Variant type: single nucleotide variant.
Coding change: c.1036C>T on transcript NM_000214.3 (MANE Select); coding-DNA position 1036, C replaced by T.
Protein change: p.His346Tyr; replaces histidine 346 with tyrosine.
Molecular consequence: missense variant.
Genome position (GRCh38, 1-based): chr20:10,651,665, G>A on the plus strand (C>T on the coding strand, the complement: JAG1 is on the minus strand). VCF-style: chr20-10651665-G-A. GRCh37 (hg19) VCF-style: chr20-10632313-G-A.
Other names: short protein forms H346Y.
Identifiers: ClinVar variation 1028615 (VCV001028615.1), dbSNP rs2067347304, ClinGen allele CA408238820.

ClinVar aggregate classification (germline): Uncertain significance (1 of 4 stars; one submission).

Conditions:
Tetralogy of Fallot (TOF). Identifiers: Orphanet 3303, MedGen C0039685, MONDO:0008542, OMIM 187500, HP:0001636.

gnomAD v4.1: 1 of 1,613,942 alleles (0.000062%); no homozygotes.

Submission:

Baylor Genetics
Classification: Uncertain significance for Tetralogy of Fallot. Last evaluated: 2019-09-18. Review status: criteria provided, single submitter. Criteria: ACMG Guidelines, 2015. Collection method: clinical testing. Allele origin: unknown. Affected: yes.
Comment: This variant was determined to be of uncertain significance according to ACMG Guidelines, 2015 [PMID:25741868].